The following is an entry in ClinVar:

NM_001987.5(ETV6):c.616G>A (p.Asp206Asn)

Gene: ETV6 (ETS variant transcription factor 6; plus strand). Cytogenetic location: 12p13.2.
Variant type: single nucleotide variant.
Coding change: c.616G>A on transcript NM_001987.5 (MANE Select); coding-DNA position 616, G replaced by A.
Protein change: p.Asp206Asn; replaces aspartic acid 206 with asparagine.
Molecular consequence: missense variant.
Genome position (GRCh38, 1-based): chr12:11,869,576, G>A. VCF-style: chr12-11869576-G-A. GRCh37 (hg19) VCF-style: chr12-12022510-G-A.
Other names: c.613G>A, p.Asp205Asn (NM_001413913.1); c.589G>A, p.Asp197Asn (NM_001413914.1); c.352G>A, p.Asp118Asn (NM_001413915.1); c.616G>A, p.Asp206Asn (NM_001413916.1, NM_001413917.1); short protein forms D206N, D118N, D197N, D205N.
Identifiers: ClinVar variation 3510610 (VCV003510610.3).
Genomic context (GRCh38, chr12:11,869,576, plus strand): 5'-ATCACGACAAATCACCGGCCTTCTCCTGACCCCGAGCAGCGGCCCCTCCGGTCCCCCCTG[G>A]ACAACATGATCCGCCGCCTCTCCCCGGCTGAGAGAGCTCAGGGACCCAGGCCGCACCAGG-3'
Protein context (NP_001978.1, residues 196-216): PEQRPLRSPL[Asp206Asn]NMIRRLSPAE

ClinVar aggregate classification (germline): Uncertain significance. Review status: criteria provided, multiple submitters, no conflicts (2 of 4 stars). 2 submissions from 2 submitters: Uncertain significance (2). Last evaluated 2025-09-25.

Conditions:
Inborn genetic diseases. Identifiers: MedGen C0950123, MeSH D030342.

Submissions (2):

Ambry Genetics
Classification: Uncertain significance for Inborn genetic diseases. Last evaluated: 2025-09-25. Review status: criteria provided, single submitter. Criteria: Ambry Variant Classification Scheme 2023. Collection method: clinical testing. Allele origin: germline.

Labcorp Genetics (formerly Invitae), Labcorp
Classification: Uncertain significance. Last evaluated: 2025-06-29. Review status: criteria provided, single submitter. Criteria: Invitae Variant Classification Sherloc (09022015). Collection method: clinical testing. Allele origin: germline.
Comment: This sequence change replaces aspartic acid, which is acidic and polar, with asparagine, which is neutral and polar, at codon 206 of the ETV6 protein (p.Asp206Asn). This variant is present in population databases (rs763219356, gnomAD 0.004%). This variant has not been reported in the literature in individuals affected with ETV6-related conditions. ClinVar contains an entry for this variant (Variation ID: 3510610). Invitae Evidence Modeling of protein sequence and biophysical properties (such as structural, functional, and spatial information, amino acid conservation, physicochemical variation, residue mobility, and thermodynamic stability) indicates that this missense variant is not expected to disrupt ETV6 protein function with a negative predictive value of 80%. In summary, the available evidence is currently insufficient to determine the role of this variant in disease. Therefore, it has been classified as a Variant of Uncertain Significance.